The following is an entry in ClinVar:

NM_016580.4(PCDH12):c.3527_3534GCA[2]GCGGCAGCAGCAGCAGCAGC[1] (p.Ser1178_Ser1179insGlySerSerSerSerSer)

Gene: PCDH12 (protocadherin 12; minus strand). Cytogenetic location: 5q31.3.
Variant type: Microsatellite.
Coding change: c.3527_3534GCA[2]GCGGCAGCAGCAGCAGCAGC[1] on transcript NM_016580.4 (MANE Select).
Protein change: p.Ser1178_Ser1179insGlySerSerSerSerSer.
Molecular consequence: inframe insertion.
Genome position: GRCh38 VCF-style: chr5-141945401-T-TGCTGCTGCTGCTGCTGCC. GRCh37 (hg19) VCF-style: chr5-141324966-T-TGCTGCTGCTGCTGCTGCC.
Other names: p.Ser1178_Ser1179insGlySerSerSerSerSer.
Identifiers: ClinVar variation 773463 (VCV000773463.11), dbSNP rs532090538.

ClinVar aggregate classification (germline): Benign/Likely benign. Review status: criteria provided, multiple submitters, no conflicts (2 of 4 stars). 2 submissions from 2 submitters: Benign (1); Likely benign (1). Last evaluated 2026-01-24.

Submissions (2):

Labcorp Genetics (formerly Invitae), Labcorp
Classification: Likely benign. Last evaluated: 2026-01-24. Review status: criteria provided, single submitter. Criteria: Invitae Variant Classification Sherloc (09022015). Collection method: clinical testing. Allele origin: germline.

Mayo Clinic Laboratories, Mayo Clinic
Classification: Benign. Last evaluated: 2023-02-28. Review status: criteria provided, single submitter. Criteria: ACMG Guidelines, 2015. Collection method: clinical testing. Allele origin: germline. Observed: 7 variant alleles.
Comment: BS1, BS2